The following is an entry in ClinVar:

NM_033305.3(VPS13A):c.4881C>G (p.Asp1627Glu)

Gene: VPS13A (vacuolar protein sorting 13 homolog A; plus strand). Cytogenetic location: 9q21.2.
Variant type: single nucleotide variant.
Coding change: c.4881C>G on transcript NM_033305.3 (MANE Select); coding-DNA position 4881, C replaced by G.
Protein change: p.Asp1627Glu; replaces aspartic acid 1627 with glutamic acid.
Molecular consequence: missense variant.
Genome position (GRCh38, 1-based): chr9:77,317,623, C>G. VCF-style: chr9-77317623-C-G. GRCh37 (hg19) VCF-style: chr9-79932539-C-G.
Other names: c.4764C>G, p.Asp1588Glu (NM_001018037.2); c.4881C>G, p.Asp1627Glu (NM_001018038.3, NM_015186.4); short protein forms D1588E, D1627E.
Identifiers: ClinVar variation 3770004 (VCV003770004.1).

ClinVar aggregate classification (germline): Uncertain significance (1 of 4 stars; one submission).

gnomAD v4.1: 3 of 1,601,302 alleles (0.00019%); highest among the groups gnomAD compares: Non-Finnish European, 0.00026%; no homozygotes.

Submission:

GeneDx
Classification: Uncertain significance. Last evaluated: 2024-09-11. Review status: criteria provided, single submitter. Criteria: GeneDx Variant Classification Process June 2021. Collection method: clinical testing. Allele origin: germline. Affected: yes.
Comment: Not observed at significant frequency in large population cohorts (gnomAD); In silico analysis indicates that this missense variant does not alter protein structure/function; Has not been previously published as pathogenic or benign to our knowledge